The following is an entry in ClinVar:

ClinVar aggregate classification (germline): Uncertain significance (1 of 4 stars; one submission).

Conditions:
Arginine:glycine amidinotransferase deficiency (CCDS3). Also called: Cerebral creatine deficiency syndrome 3; L-Arginine:Glycine Amidinotransferase (AGAT) Deficiency; AGAT deficiency; L-Arginine:Glycine Amidinotransferase Deficiency; Creatine deficiency syndrome due to AGAT deficiency; GATM deficiency. Identifiers: Orphanet 35704, MedGen C2675179, MONDO:0012996, OMIM 612718.

gnomAD v4.1: 1 of 1,605,912 alleles (0.000062%); highest among the groups gnomAD compares: Non-Finnish European, 0.000085%; no homozygotes.

Submission:

Labcorp Genetics (formerly Invitae), Labcorp
Classification: Uncertain significance for Arginine:glycine amidinotransferase deficiency. Last evaluated: 2021-12-17. Review status: criteria provided, single submitter. Criteria: Invitae Variant Classification Sherloc (09022015). Collection method: clinical testing. Allele origin: germline.
Comment: In summary, the available evidence is currently insufficient to determine the role of this variant in disease. Therefore, it has been classified as a Variant of Uncertain Significance. Algorithms developed to predict the effect of missense changes on protein structure and function are either unavailable or do not agree on the potential impact of this missense change (SIFT: "Deleterious"; PolyPhen-2: "Benign"; Align-GVGD: "Class C0"). This variant has not been reported in the literature in individuals affected with GATM-related conditions. This variant is not present in population databases (gnomAD no frequency). This sequence change replaces methionine, which is neutral and non-polar, with leucine, which is neutral and non-polar, at codon 382 of the GATM protein (p.Met382Leu).

NM_001482.3(GATM):c.1144A>T (p.Met382Leu)

Gene: GATM (glycine amidinotransferase; minus strand). Cytogenetic location: 15q21.1.
Variant type: single nucleotide variant.
Coding change: c.1144A>T on transcript NM_001482.3 (MANE Select); coding-DNA position 1144, A replaced by T.
Protein change: p.Met382Leu; replaces methionine 382 with leucine.
Molecular consequence: missense variant.
Genome position (GRCh38, 1-based): chr15:45,363,915, T>A on the plus strand (A>T on the coding strand, the complement: GATM is on the minus strand). VCF-style: chr15-45363915-T-A. GRCh37 (hg19) VCF-style: chr15-45656113-T-A.
Other names: c.757A>T, p.Met253Leu (NM_001321015.2); short protein forms M382L, M253L.
Identifiers: ClinVar variation 2044971 (VCV002044971.4), dbSNP rs1380682430, ClinGen allele CA392255427.